The following is an entry in ClinVar:

ClinVar aggregate classification (germline): Conflicting classifications of pathogenicity. Review status: criteria provided, conflicting classifications (1 of 4 stars). 8 submissions from 8 submitters: Uncertain significance (4); Likely benign (3). 1 of the submissions does not count toward it. Last evaluated 2026-07-28.

Conditions:
Renal dysplasia and retinal aplasia (SLSN). Also called: Senior-Loken syndrome. Identifiers: Orphanet 3156, MedGen C0403553, MONDO:0017842.
Nephronophthisis. Also called: Juvenile Nephronophthisis. Identifiers: Orphanet 655, MedGen C0687120, MONDO:0019005, HP:0000090.
focal and segmental glomerulosclerosis.
NPHP4-related disorder. Also called: NPHP4-related disorders; NPHP4-related condition. Identifiers: MedGen CN239384.
Nephronophthisis 4 (NPHP4). Also called: NEPHRONOPHTHISIS 4, JUVENILE. Identifiers: Orphanet 655, MedGen C1847013, MONDO:0011752, OMIM 606966.

Allele frequency attached by ClinVar (database versions not stated): gnomAD exomes 0.00004 and 0.00008; ExAC 0.00007; gnomAD 0.00022 and 0.00021; ESP Exome Variant Server 0.00016; TOPMed 0.00019.
gnomAD v4.1: 119 of 1,604,026 alleles (0.0074%); highest among the groups gnomAD compares: African/African-American, 0.05%; no homozygotes.

Submissions (8):

PreventionGenetics, part of Exact Sciences
Classification: Uncertain significance for NPHP4-related condition. Last evaluated: 2026-07-28. Review status: criteria provided, single submitter. Criteria: ACMG Guidelines, 2015. Collection method: clinical testing. Allele origin: germline.
Comment: The NPHP4 c.74G>A variant is predicted to result in the amino acid substitution p.Arg25Gln. This variant is also referred to as c.74G>A (p.Arg25Gln) when using the alternative transcript NM_001291594. To our knowledge, this variant has not been reported in the literature. This variant is reported in 0.066% of alleles in individuals of African descent in gnomAD. Although we suspect that this variant may be benign, at this time, the clinical significance of this variant is uncertain due to the absence of conclusive functional and genetic evidence.

Labcorp Genetics (formerly Invitae), Labcorp
Classification: Likely benign for Nephronophthisis. Last evaluated: 2026-01-24. Review status: criteria provided, single submitter. Criteria: Invitae Variant Classification Sherloc (09022015). Collection method: clinical testing. Allele origin: germline.

CeGaT Center for Human Genetics Tuebingen
Classification: Likely benign. Last evaluated: 2025-03-01. Review status: criteria provided, single submitter. Criteria: CeGaT Center For Human Genetics Tuebingen Variant Classification Criteria Version 2. Collection method: clinical testing. Allele origin: germline. Affected: yes. Observed: 1 variant allele.
Comment: NPHP4: BP4, BP7

Blueprint Genetics
Classification: Likely benign. Last evaluated: 2024-08-30. Review status: criteria provided, single submitter. Criteria: ACMG Guidelines, 2015. Collection method: clinical testing. Allele origin: germline.

Clinical Genomics Laboratory, Stanford Medicine
Classification: Uncertain significance for Focal and Segmental Glomerulosclerosis; Juvenile Nephronophthisis; Senior-Loken syndrome. Last evaluated: 2022-10-31. Review status: criteria provided, single submitter. Criteria: ACMG Guidelines, 2015. Collection method: clinical testing. Allele origin: germline. Observed: 1 variant allele, 1 heterozygote.

Baylor Genetics
Classification: Uncertain significance for Nephronophthisis 4. Last evaluated: 2018-04-10. Review status: criteria provided, single submitter. Criteria: ACMG Guidelines, 2015. Collection method: clinical testing. Allele origin: unknown. Affected: yes.
Comment: This variant was determined to be of uncertain significance according to ACMG Guidelines, 2015 [PMID:25741868].

Eurofins Ntd Llc (ga)
Classification: Uncertain significance. Last evaluated: 2018-02-08. Review status: criteria provided, single submitter. Criteria: EGL Classification Definitions 2015. Collection method: clinical testing. Allele origin: germline. Observed: 5 variant alleles, 5 heterozygotes.

Department of Pathology and Laboratory Medicine, Sinai Health System
Classification: Uncertain significance. Review status: no assertion criteria provided. Collection method: clinical testing. Allele origin: unknown. Affected: yes. Study: The Canadian Open Genetics Repository (COGR). Not counted in ClinVar's aggregate classification.
Comment: The NPHP4 p.(Arg25Gln) variant was not identified in the literature nor was it identified in Cosmic, LOVD 3.0, The variant was also identified in dbSNP (ID: rs374690894) and and ClinVar (classfied as "uncertain significance" by EGL Genetic diagnostic) databases. The variant was identified in control databases in 30 of 278808 chromosomes (278808 homozygous) at a frequency of 0.00011 (Genome Aggregation Database Feb 27, 2017). The variant was not observed in the African, East Asian, Other, European (non-Finnish), South Asian, Latino, Ashkenazi Jewish, and European (Finnish) populations. The p.Arg25 residue is not conserved in mammals and computational analyses (PolyPhen-2, SIFT, AlignGVGD, BLOSUM, MutationTaster) do not suggest a high likelihood of impact to the protein; however, this information is not predictive enough to rule out pathogenicity. The p.(Arg25Gln) variant occurs in the last three bases of the exon. This position has been shown to be part of the splicing consensus sequence and variants involving this position sometimes affect splicing. In addition, 2 of 4 in silico or computational prediction software programs (SpliceSiteFinder, MaxEntScan, NNSPLICE, GeneSplicer) predict a greater than 10% difference in splicing. In summary, based on the above information the clinical significance of this variant cannot be determined with certainty at this time. This variant is classified as a variant of uncertain significance.

NM_015102.5(NPHP4):c.1440G>A (p.Ser480=)

Gene: NPHP4 (nephrocystin 4; minus strand). Cytogenetic location: 1p36.31.
Variant type: single nucleotide variant.
Coding change: c.1440G>A on transcript NM_015102.5 (MANE Select); coding-DNA position 1440, G replaced by A.
Protein change: p.Ser480=; no amino-acid change (serine 480 retained).
Molecular consequence: synonymous variant. On other transcripts: missense variant (2), non-coding transcript variant (1).
Genome position (GRCh38, 1-based): chr1:5,927,650, C>T on the plus strand (G>A on the coding strand, the complement: NPHP4 is on the minus strand). VCF-style: chr1-5927650-C-T. GRCh37 (hg19) VCF-style: chr1-5987710-C-T.
Other names: c.74G>A (NM_001291594.1); c.74G>A, p.Arg25Gln (NM_001291593.2, NM_001291594.2); short protein forms R25Q.
Identifiers: ClinVar variation 497880 (VCV000497880.26), dbSNP rs374690894, ClinGen allele CA554517.